The following is an entry in ClinVar:

NM_000288.4(PEX7):c.803+45A>G

Gene: PEX7 (peroxisomal biogenesis factor 7; plus strand). Cytogenetic location: 6q23.3.
Variant type: single nucleotide variant.
Coding change: c.803+45A>G on transcript NM_000288.4 (MANE Select); 45 bases into the intron after coding-DNA position 803, A replaced by G.
Molecular consequence: intron variant.
Genome position (GRCh38, 1-based): chr6:136,872,298, A>G. VCF-style: chr6-136872298-A-G. GRCh37 (hg19) VCF-style: chr6-137193436-A-G.
Identifiers: ClinVar variation 675170 (VCV000675170.1), dbSNP rs17065686, ClinGen allele CA4017769.

ClinVar aggregate classification (germline): Benign (1 of 4 stars; one submission).

Allele frequency attached by ClinVar (database versions not stated): gnomAD exomes 0.04182; ExAC 0.04560; 1000 Genomes Project 0.08626; 1000 Genomes Project 30x 0.09119; gnomAD 0.09220 and 0.09828; TOPMed 0.10158; ESP Exome Variant Server 0.10377.
gnomAD v4.1: 61,876 of 1,491,062 alleles (4.1%); highest among the groups gnomAD compares: African/African-American, 25%; 3,148 homozygotes.

Submission:

GeneDx
Classification: Benign. Last evaluated: 2018-06-14. Review status: criteria provided, single submitter. Criteria: GeneDx Variant Classification (06012015). Collection method: clinical testing. Allele origin: germline. Affected: yes.
Comment: This variant is considered likely benign or benign based on one or more of the following criteria: it is a conservative change, it occurs at a poorly conserved position in the protein, it is predicted to be benign by multiple in silico algorithms, and/or has population frequency not consistent with disease.